The following is an entry in ClinVar:

NM_004656.4(BAP1):c.1628G>A (p.Cys543Tyr)

Gene: BAP1 (BRCA1 associated deubiquitinase 1; minus strand). Cytogenetic location: 3p21.1.
Variant type: single nucleotide variant.
Coding change: c.1628G>A on transcript NM_004656.4 (MANE Select); coding-DNA position 1628, G replaced by A.
Protein change: p.Cys543Tyr; replaces cysteine 543 with tyrosine.
Molecular consequence: missense variant.
Genome position (GRCh38, 1-based): chr3:52,403,517, C>T on the plus strand (G>A on the coding strand, the complement: BAP1 is on the minus strand). VCF-style: chr3-52403517-C-T. GRCh37 (hg19) VCF-style: chr3-52437533-C-T.
Other names: short protein forms C543Y.
Identifiers: ClinVar variation 412438 (VCV000412438.19), dbSNP rs907231325, ClinGen allele CA16611424.
Genomic context (GRCh38, chr3:52,403,517, plus strand): 5'-TGCAGCAGGCCTGTGCTGATGACAGGACCCAGATCACGGACAGCACGGTTGTAGCGTATG[C>T]AGTCAACACGCAGCAGGCTGTCATCCTCTCCAAAAAGCACCTTGGAGATGTGGGAGGTGA-3'
Protein context (NP_004647.1, residues 533-553): GEDDSLLRVD[Cys543Tyr]IRYNRAVRDL

ClinVar aggregate classification (germline): Uncertain significance. Review status: criteria provided, multiple submitters, no conflicts (2 of 4 stars). 4 submissions from 4 submitters: Uncertain significance (4). Last evaluated 2026-01-14.

Conditions:
Hereditary cancer-predisposing syndrome. Also called: Neoplastic Syndromes, Hereditary; Tumor predisposition; Hereditary neoplastic syndrome; Hereditary Cancer Syndrome. Identifiers: Orphanet 140162, MedGen C0027672, MeSH D009386, MONDO:0015356.
BAP1-related tumor predisposition syndrome (TPDS1). Also called: BAP1 tumor predisposition syndrome; Tumor susceptibility linked to germline BAP1 mutations; COMMON Syndrome; TUMOR PREDISPOSITION SYNDROME 1. Identifiers: Orphanet 289539, MedGen C3280492, MONDO:0013692, OMIM 614327.

Allele frequency attached by ClinVar (database versions not stated): gnomAD 0.00001; gnomAD exomes 0.00001; TOPMed 0.00002.

Submissions (4):

Labcorp Genetics (formerly Invitae), Labcorp
Classification: Uncertain significance for BAP1-related tumor predisposition syndrome. Last evaluated: 2026-01-14. Review status: criteria provided, single submitter. Criteria: Invitae Variant Classification Sherloc (09022015). Collection method: clinical testing. Allele origin: germline.
Comment: This sequence change replaces cysteine, which is neutral and slightly polar, with tyrosine, which is neutral and polar, at codon 543 of the BAP1 protein (p.Cys543Tyr). This variant is present in population databases (no rsID available, gnomAD 0.003%). This variant has not been reported in the literature in individuals affected with BAP1-related conditions. ClinVar contains an entry for this variant (Variation ID: 412438). Invitae Evidence Modeling of protein sequence and biophysical properties (such as structural, functional, and spatial information, amino acid conservation, physicochemical variation, residue mobility, and thermodynamic stability) indicates that this missense variant is not expected to disrupt BAP1 protein function with a negative predictive value of 80%. In summary, the available evidence is currently insufficient to determine the role of this variant in disease. Therefore, it has been classified as a Variant of Uncertain Significance.

Ambry Genetics
Classification: Uncertain significance for Hereditary cancer-predisposing syndrome. Last evaluated: 2025-12-21. Review status: criteria provided, single submitter. Criteria: Ambry Variant Classification Scheme 2023. Collection method: clinical testing. Allele origin: germline.
Comment: The p.C543Y variant (also known as c.1628G>A), located in coding exon 13 of the BAP1 gene, results from a G to A substitution at nucleotide position 1628. The cysteine at codon 543 is replaced by tyrosine, an amino acid with highly dissimilar properties. This amino acid position is not well conserved in available vertebrate species. In addition, the in silico prediction for this alteration is inconclusive. Since supporting evidence is limited at this time, the clinical significance of this alteration remains unclear.

Color Diagnostics, LLC DBA Color Health
Classification: Uncertain significance for Hereditary cancer-predisposing syndrome. Last evaluated: 2025-11-20. Review status: criteria provided, single submitter. Criteria: ACMG Guidelines, 2015. Collection method: clinical testing. Allele origin: germline.
Comment: This missense variant replaces cysteine with tyrosine at codon 543 of the BAP1 protein. Computational prediction suggests that this variant may not impact protein structure and function. To our knowledge, functional studies have not been reported for this variant. This variant has not been reported in individuals affected with BAP1-related disorders in the literature. This variant has been identified in 13/1613956 chromosomes in the general population by the Genome Aggregation Database (gnomAD). The available evidence is insufficient to determine the role of this variant in disease conclusively. Therefore, this variant is classified as a Variant of Uncertain Significance.

Baylor Genetics
Classification: Uncertain significance for BAP1-related tumor predisposition syndrome. Last evaluated: 2024-01-22. Review status: criteria provided, single submitter. Criteria: ACMG Guidelines, 2015. Collection method: clinical testing. Allele origin: unknown.